The following is an entry in ClinVar:

NM_001267550.2(TTN):c.50247del (p.Phe16749fs)

Genes: TTN (titin; minus strand), TTN-AS1 (TTN antisense RNA 1; plus strand). Cytogenetic location: 2q31.2.
Variant type: Deletion.
Coding change: c.50247del on transcript NM_001267550.2 (MANE Select); coding-DNA position 50247, one base deleted (T; older notation c.50247delT).
Protein change: p.Phe16749fs; shifts the reading frame from phenylalanine 16749.
Molecular consequence: frameshift variant.
Genome position (GRCh38, 1-based): chr2:178,612,278, A deleted on the plus strand (T on the coding strand, the reverse complement: TTN is on the minus strand); the first of 3 consecutive A bases (chr2:178,612,278-178,612,280); deleting any one gives the same sequence. VCF-style (leftmost placement, unchanged base first): chr2-178612277-TA-T. GRCh37 (hg19) VCF-style: chr2-179477004-TA-T.
Other names: c.45324del, p.Phe15108fs (NM_001256850.1); c.23052del, p.Phe7684fs (NM_003319.4); c.42543del, p.Phe14181fs (NM_133378.4); c.23427del, p.Phe7809fs (NM_133432.3); c.23628del, p.Phe7876fs (NM_133437.4); c.50247delT (LRG_391t1); short protein forms F14181fs, F7809fs, F15108fs, F16749fs, F7684fs, F7876fs.
Identifiers: ClinVar variation 223310 (VCV000223310.1), dbSNP rs869312071, ClinGen allele CA353291.

ClinVar aggregate classification (germline): Likely pathogenic (1 of 4 stars; one submission).

Conditions:
Primary dilated cardiomyopathy (DCM). Also called: Dilated Cardiomyopathy. Identifiers: Orphanet 217604, MedGen C0007193, MeSH D002311, MONDO:0005021, HP:0001644. Inheritance: Various modes of inheritance.

Submission:

Cardiovascular Biomedical Research Unit, Royal Brompton & Harefield NHS Foundation Trust
Classification: Likely pathogenic for Primary dilated cardiomyopathy. Last evaluated: 2014-10-08. Review status: criteria provided, single submitter. Criteria: Roberts et al. 2015. Collection method: research. Allele origin: germline. Inheritance: Autosomal dominant inheritance. Affected: yes. Observed: 1 variant allele. Study: Endstage DCM.
Comment: In the seven cohorts assessed, TTNtv were found in 14% of ambulant DCM, 22% end-stage or familial DCM, and 2% controls. Heterozygous nonsense, frameshift and canonical splice-disrupting variants found in constitutive and other highly utilised exons are highly likely to be pathogenic when identified in individuals with phenotypically confirmed DCM. TTNtv found incidentally in healthy individuals (excluding familial assessment of DCM relatives) are thought to have low penetrance, particularly when identified in exons that are not constitutively expressed in the heart.